The following is an entry in ClinVar:

NC_000010.10:g.(?_73337651)_(73337769_?)del

Gene: CDH23 (cadherin related 23; plus strand). Cytogenetic location: 10q22.1.
Variant type: Deletion.
Identifiers: ClinVar variation 3245000 (VCV003245000.1).

ClinVar aggregate classification (germline): Pathogenic (1 of 4 stars; one submission).

Submission:

Labcorp Genetics (formerly Invitae), Labcorp
Classification: Pathogenic. Last evaluated: 2023-10-03. Review status: criteria provided, single submitter. Criteria: Invitae Variant Classification Sherloc (09022015). Collection method: clinical testing. Allele origin: unknown.
Comment: This variant is a gross deletion of the genomic region encompassing exon(s) 9 of the CDH23 gene. This deletion is out-of-frame, and is expected to create a premature termination codon and result in an absent or disrupted protein product. Loss-of-function variants in CDH23 are known to be pathogenic (PMID: 11138009, 21940737). This variant has not been reported in the literature in individuals affected with CDH23-related conditions. For these reasons, this variant has been classified as Pathogenic.

Literature cited by the submitters: PubMed 11138009; PubMed 21940737.